The following is an entry in ClinVar:

NM_001386795.1(DTNA):c.206A>C (p.Asn69Thr)

Gene: DTNA (dystrobrevin alpha; plus strand). Cytogenetic location: 18q12.1.
Variant type: single nucleotide variant.
Coding change: c.206A>C on transcript NM_001386795.1 (MANE Select); coding-DNA position 206, A replaced by C.
Protein change: p.Asn69Thr; replaces asparagine 69 with threonine.
Molecular consequence: missense variant.
Genome position (GRCh38, 1-based): chr18:34,794,094, A>C. VCF-style: chr18-34794094-A-C. GRCh37 (hg19) VCF-style: chr18-32374058-A-C.
Other names: c.206A>C, p.Asn69Thr (NM_001128175.2, NM_001198938.2, NM_001198939.2 and 35 more transcripts); c.206A>C (NM_001390.4, NM_032978.6); short protein forms N69T.
Identifiers: ClinVar variation 2730399 (VCV002730399.5), dbSNP rs148805060, ClinGen allele CA8935316.

ClinVar aggregate classification (germline): Uncertain significance. Review status: criteria provided, multiple submitters, no conflicts (2 of 4 stars). 3 submissions from 3 submitters: Uncertain significance (2). 1 of the submissions does not count toward it. Last evaluated 2024-10-27.

Conditions:
Left ventricular noncompaction 1 (LVNC1). Also called: LEFT VENTRICULAR NONCOMPACTION 1 WITH OR WITHOUT CONGENITAL HEART DEFECTS. Identifiers: Orphanet 54260, MedGen C1858725, MONDO:0011403, OMIM 604169.
DTNA-related disorder. Also called: DTNA-related condition.

Allele frequency attached by ClinVar (database versions not stated): ExAC 0.00001; gnomAD 0.00001; gnomAD exomes 0.00001; ESP Exome Variant Server 0.00008.
gnomAD v4.1: 16 of 1,614,010 alleles (0.00099%); highest among the groups gnomAD compares: Non-Finnish European, 0.0014%; no homozygotes.

Submissions (3):

Labcorp Genetics (formerly Invitae), Labcorp
Classification: Uncertain significance for Left ventricular noncompaction 1. Last evaluated: 2024-10-27. Review status: criteria provided, single submitter. Criteria: Invitae Variant Classification Sherloc (09022015). Collection method: clinical testing. Allele origin: germline.
Comment: This sequence change replaces asparagine, which is neutral and polar, with threonine, which is neutral and polar, at codon 69 of the DTNA protein (p.Asn69Thr). This variant is present in population databases (rs148805060, gnomAD 0.003%). This variant has not been reported in the literature in individuals affected with DTNA-related conditions. Invitae Evidence Modeling of protein sequence and biophysical properties (such as structural, functional, and spatial information, amino acid conservation, physicochemical variation, residue mobility, and thermodynamic stability) indicates that this missense variant is not expected to disrupt DTNA protein function with a negative predictive value of 80%. In summary, the available evidence is currently insufficient to determine the role of this variant in disease. Therefore, it has been classified as a Variant of Uncertain Significance.

Ambry Genetics
Classification: Uncertain significance. Last evaluated: 2024-04-23. Review status: criteria provided, single submitter. Criteria: Ambry Variant Classification Scheme 2023. Collection method: clinical testing. Allele origin: germline.

PreventionGenetics, part of Exact Sciences
Classification: Uncertain significance for DTNA-related condition. Last evaluated: 2024-08-23. Review status: no assertion criteria provided. Collection method: clinical testing. Allele origin: germline. Not counted in ClinVar's aggregate classification.
Comment: The DTNA c.206A>C variant is predicted to result in the amino acid substitution p.Asn69Thr. To our knowledge, this variant has not been reported in the literature. This variant is reported in 0.0026% of alleles in individuals of European (Non-Finnish) descent in gnomAD. At this time, the clinical significance of this variant is uncertain due to the absence of conclusive functional and genetic evidence.